The following is an entry in ClinVar:

NM_001024630.4(RUNX2):c.172CAACAGCAGCAGCAGCAGCAG[3] (p.Gln65_Gln71dup)

Genes: RUNX2 (RUNX family transcription factor 2; plus strand), LOC109611589 (runt related transcription factor 2 polyalanine expansion region; plus strand). Cytogenetic location: 6p21.1.
Variant type: Microsatellite.
Coding change: c.172CAACAGCAGCAGCAGCAGCAG[3] on transcript NM_001024630.4 (MANE Select); three copies in a row of the 21-base unit CAACAGCAGCAGCAGCAGCAG starting at c.172; the reference has two copies in a row; one copy, 21 bases duplicated.
Protein change: p.Gln65_Gln71dup.
Molecular consequence: inframe insertion.
Genome position (GRCh38, 1-based): chr6:45,422,727-45,422,747, CAACAGCAGCAGCAGCAGCAG duplicated; duplicating any 21 consecutive bases within chr6:45,422,694-45,422,747 gives the same sequence; the position shown is the placement nearest the transcript's 3' end. VCF-style (leftmost placement, unchanged base first): chr6-45422693-A-ACAGCAGCAGCAGCAACAGCAG. GRCh37 (hg19) VCF-style: chr6-45390430-A-ACAGCAGCAGCAGCAACAGCAG.
Other names: c.172CAACAGCAGCAGCAGCAGCAG[3], p.Gln65_Gln71dup (NM_001015051.4); c.130CAACAGCAGCAGCAGCAGCAG[3], p.Gln51_Gln57dup (NM_001278478.2, NM_001369405.1).
Identifiers: ClinVar variation 1010237 (VCV001010237.7), dbSNP rs774172072, ClinGen allele CA567156242.

ClinVar aggregate classification (germline): Conflicting classifications of pathogenicity. Review status: criteria provided, conflicting classifications (1 of 4 stars). 2 submissions from 2 submitters: Uncertain significance (1); Likely benign (1). Last evaluated 2026-01-26.

Submissions (2):

Labcorp Genetics (formerly Invitae), Labcorp
Classification: Uncertain significance. Last evaluated: 2026-01-26. Review status: criteria provided, single submitter. Criteria: Invitae Variant Classification Sherloc (09022015). Collection method: clinical testing. Allele origin: germline.
Comment: This variant, c.193_213dup, results in the insertion of 7 amino acid(s) of the RUNX2 protein (p.Gln65_Gln71dup), but otherwise preserves the integrity of the reading frame. The frequency data for this variant in the population databases is considered unreliable, as metrics indicate poor data quality at this position in the gnomAD database. This variant has not been reported in the literature in individuals affected with RUNX2-related conditions. Experimental studies and prediction algorithms are not available or were not evaluated, and the functional significance of this variant is currently unknown. In summary, the available evidence is currently insufficient to determine the role of this variant in disease. Therefore, it has been classified as a Variant of Uncertain Significance.

Blueprint Genetics
Classification: Likely benign. Last evaluated: 2024-11-21. Review status: criteria provided, single submitter. Criteria: ACMG Guidelines, 2015. Collection method: clinical testing. Allele origin: germline.